The following is an entry in ClinVar:

NM_000260.4(MYO7A):c.241A>C (p.Ile81Leu)

Gene: MYO7A (myosin VIIA; plus strand). Cytogenetic location: 11q13.5.
Variant type: single nucleotide variant.
Coding change: c.241A>C on transcript NM_000260.4 (MANE Select); coding-DNA position 241, A replaced by C.
Protein change: p.Ile81Leu; replaces isoleucine 81 with leucine.
Molecular consequence: missense variant.
Genome position (GRCh38, 1-based): chr11:77,147,906, A>C. VCF-style: chr11-77147906-A-C. GRCh37 (hg19) VCF-style: chr11-76858952-A-C.
Other names: c.241A>C, p.Ile81Leu (NM_001127180.2); c.208A>C, p.Ile70Leu (NM_001369365.1); short protein forms I70L, I81L.
Identifiers: ClinVar variation 4766990 (VCV004766990.1).

ClinVar aggregate classification (germline): Uncertain significance (1 of 4 stars; one submission).

Submission:

Labcorp Genetics (formerly Invitae), Labcorp
Classification: Uncertain significance. Last evaluated: 2025-05-21. Review status: criteria provided, single submitter. Criteria: Invitae Variant Classification Sherloc (09022015). Collection method: clinical testing. Allele origin: germline.
Comment: This sequence change replaces isoleucine, which is neutral and non-polar, with leucine, which is neutral and non-polar, at codon 81 of the MYO7A protein (p.Ile81Leu). This variant is not present in population databases (gnomAD no frequency). This variant has not been reported in the literature in individuals affected with MYO7A-related conditions. Invitae Evidence Modeling of protein sequence and biophysical properties (such as structural, functional, and spatial information, amino acid conservation, physicochemical variation, residue mobility, and thermodynamic stability) indicates that this missense variant is not expected to disrupt MYO7A protein function with a negative predictive value of 95%. In summary, the available evidence is currently insufficient to determine the role of this variant in disease. Therefore, it has been classified as a Variant of Uncertain Significance.